The following is an entry in ClinVar:

ClinVar aggregate classification (germline): Conflicting classifications of pathogenicity. Review status: criteria provided, conflicting classifications (1 of 4 stars). 3 submissions from 3 submitters: Likely pathogenic (1); Uncertain significance (2). Last evaluated 2026-05-14.

Conditions:
Developmental and epileptic encephalopathy 96. Identifiers: MedGen C5543446, MONDO:0023659, OMIM 619340.

Submissions (3):

GeneDx
Classification: Uncertain significance. Last evaluated: 2026-05-14. Review status: criteria provided, single submitter. Criteria: GeneDx Variant Classification Process June 2021. Collection method: clinical testing. Allele origin: germline.
Comment: Not observed at significant frequency in large population cohorts (gnomAD); In silico analysis suggests that this missense variant does not alter protein structure/function; Has not been previously published as pathogenic or benign to our knowledge

3billion
Classification: Uncertain significance for Developmental and epileptic encephalopathy 96. Last evaluated: 2024-11-18. Review status: criteria provided, single submitter. Criteria: ACMG Guidelines, 2015. Collection method: clinical testing. Allele origin: germline. Affected: yes.
Comment: The variant is not observed in the gnomAD v4.1.0 dataset. Predicted Consequence/Location: Missense variant. Missense changes are a common disease-causing mechanism. In silico tool predictions suggest damaging effect of the variant on gene or gene product [REVEL: 0.61 (>=0.6, sensitivity 0.68 and specificity 0.92)]. Therefore, this variant is classified as VUS according to the recommendation of ACMG/AMP guideline.

Institute of Human Genetics, University of Leipzig Medical Center
Classification: Likely pathogenic for Developmental and epileptic encephalopathy 96. Last evaluated: 2024-04-25. Review status: criteria provided, single submitter. Criteria: ACMG Guidelines, 2015. Collection method: clinical testing. Allele origin: de novo. Inheritance: Autosomal dominant inheritance. Affected: yes.
Comment: Criteria applied: PS2_MOD,PM2,PM1_SUP,PP3

NM_006178.4(NSF):c.1600A>G (p.Thr534Ala)

Genes: LRRC37A2 (leucine rich repeat containing 37 member A2), NSF (N-ethylmaleimide sensitive factor, vesicle fusing ATPase; plus strand). Cytogenetic location: 17q21.31.
Variant type: single nucleotide variant.
Coding change: c.1600A>G on transcript NM_006178.4 (MANE Select); coding-DNA position 1600, A replaced by G.
Protein change: p.Thr534Ala; replaces threonine 534 with alanine.
Molecular consequence: missense variant. On other transcripts: non-coding transcript variant (1).
Genome position (GRCh38, 1-based): chr17:46,711,092, A>G. VCF-style: chr17-46711092-A-G. GRCh37 (hg19) VCF-style: chr17-44788458-A-G.
Other names: short protein forms T534A.
Identifiers: ClinVar variation 3358937 (VCV003358937.5).